The following is an entry in ClinVar:

NM_005359.6(SMAD4):c.108A>C (p.Ala36=)

Gene: SMAD4 (SMAD family member 4; plus strand). Cytogenetic location: 18q21.2.
Variant type: single nucleotide variant.
Coding change: c.108A>C on transcript NM_005359.6 (MANE Select); coding-DNA position 108, A replaced by C.
Protein change: p.Ala36=; no amino-acid change (alanine 36 retained).
Molecular consequence: synonymous variant. On other transcripts: non-coding transcript variant (2).
Genome position (GRCh38, 1-based): chr18:51,047,154, A>C. VCF-style: chr18-51047154-A-C. GRCh37 (hg19) VCF-style: chr18-48573524-A-C.
Other names: c.108A>C, p.Ala36= (NM_001407041.1, NM_001407042.1, NM_001407043.1).
Identifiers: ClinVar variation 3445865 (VCV003445865.2).

ClinVar aggregate classification (germline): Likely benign. Review status: criteria provided, multiple submitters, no conflicts (2 of 4 stars). 2 submissions from 2 submitters: Likely benign (2). Last evaluated 2026-01-09.

Conditions:
Hereditary cancer-predisposing syndrome. Also called: Hereditary Cancer Syndrome; Neoplastic Syndromes, Hereditary; Hereditary neoplastic syndrome; Tumor predisposition. Identifiers: Orphanet 140162, MedGen C0027672, MeSH D009386, MONDO:0015356.
Familial thoracic aortic aneurysm and aortic dissection (TAAD). Also called: Thoracic aortic aneurysms and dissections. Identifiers: Orphanet 91387, MedGen C4707243, MONDO:0019625.
SMAD4-related disorder. Also called: SMAD4-related condition; SMAD4-Related disorders.

Submissions (2):

PreventionGenetics, part of Exact Sciences
Classification: Likely benign for SMAD4-related condition. Last evaluated: 2026-01-09. Review status: criteria provided, single submitter. Criteria: ACMG Guidelines, 2015. Collection method: clinical testing. Allele origin: germline.
Comment: This variant is classified as likely benign based on ACMG/AMP sequence variant interpretation guidelines (Richards et al. 2015 PMID: 25741868, with internal and published modifications).

Ambry Genetics
Classification: Likely benign for Hereditary cancer-predisposing syndrome; Familial thoracic aortic aneurysm and aortic dissection. Last evaluated: 2024-10-21. Review status: criteria provided, single submitter. Criteria: Ambry Variant Classification Scheme 2023. Collection method: clinical testing. Allele origin: germline.